The following is an entry in ClinVar:

NM_016343.4(CENPF):c.3913A>G (p.Lys1305Glu)

Gene: CENPF (centromere protein F; plus strand). Cytogenetic location: 1q41.
Variant type: single nucleotide variant.
Coding change: c.3913A>G on transcript NM_016343.4 (MANE Select); coding-DNA position 3913, A replaced by G.
Protein change: p.Lys1305Glu; replaces lysine 1305 with glutamic acid.
Molecular consequence: missense variant.
Genome position (GRCh38, 1-based): chr1:214,642,251, A>G. VCF-style: chr1-214642251-A-G. GRCh37 (hg19) VCF-style: chr1-214815594-A-G.
Other names: short protein forms K1305E.
Identifiers: ClinVar variation 4761858 (VCV004761858.1).

ClinVar aggregate classification (germline): Uncertain significance (1 of 4 stars; one submission).

gnomAD v4.1: 4 of 1,613,878 alleles (0.00025%); highest among the groups gnomAD compares: Non-Finnish European, 0.00034%; no homozygotes.

Submission:

Labcorp Genetics (formerly Invitae), Labcorp
Classification: Uncertain significance. Last evaluated: 2025-03-27. Review status: criteria provided, single submitter. Criteria: Invitae Variant Classification Sherloc (09022015). Collection method: clinical testing. Allele origin: germline.
Comment: This sequence change replaces lysine, which is basic and polar, with glutamic acid, which is acidic and polar, at codon 1305 of the CENPF protein (p.Lys1305Glu). This variant is present in population databases (rs745857802, gnomAD 0.0009%). This variant has not been reported in the literature in individuals affected with CENPF-related conditions. An algorithm developed to predict the effect of missense changes on protein structure and function (PolyPhen-2) suggests that this variant is likely to be disruptive. In summary, the available evidence is currently insufficient to determine the role of this variant in disease. Therefore, it has been classified as a Variant of Uncertain Significance.